The following is an entry in ClinVar:

ClinVar aggregate classification (germline): Uncertain significance. Review status: criteria provided, multiple submitters, no conflicts (2 of 4 stars). 2 submissions from 2 submitters: Uncertain significance (2). Last evaluated 2025-03-27.

Conditions:
Hepatic veno-occlusive disease-immunodeficiency syndrome. Also called: Hepatic Veno-Occlusive Disease with Immunodeficiency. Identifiers: Orphanet 79124, MedGen C1856128, MONDO:0009338, OMIM 235550. Disease mechanism: loss of function.
Inborn genetic diseases. Identifiers: MedGen C0950123, MeSH D030342.

Allele frequency attached by ClinVar (database versions not stated): gnomAD exomes 0.00001; TOPMed 0.00007; ESP Exome Variant Server 0.00008.
gnomAD v4.1: 142 of 1,608,440 alleles (0.0088%); highest among the groups gnomAD compares: Non-Finnish European, 0.011%; 1 homozygote.

Submissions (2):

Ambry Genetics
Classification: Uncertain significance for Inborn genetic diseases. Last evaluated: 2025-03-27. Review status: criteria provided, single submitter. Criteria: Ambry Variant Classification Scheme 2023. Collection method: clinical testing. Allele origin: germline.

Labcorp Genetics (formerly Invitae), Labcorp
Classification: Uncertain significance for Hepatic veno-occlusive disease-immunodeficiency syndrome. Last evaluated: 2021-08-30. Review status: criteria provided, single submitter. Criteria: Invitae Variant Classification Sherloc (09022015). Collection method: clinical testing. Allele origin: germline.
Comment: This sequence change replaces arginine with lysine at codon 440 of the SP110 protein (p.Arg440Lys). The arginine residue is weakly conserved and there is a small physicochemical difference between arginine and lysine. This variant is not present in population databases (ExAC no frequency). This variant has not been reported in the literature in individuals affected with SP110-related conditions. Algorithms developed to predict the effect of missense changes on protein structure and function output the following: SIFT: "Tolerated"; PolyPhen-2: "Benign"; Align-GVGD: "Class C0". The lysine amino acid residue is found in multiple mammalian species, which suggests that this missense change does not adversely affect protein function. In summary, the available evidence is currently insufficient to determine the role of this variant in disease. Therefore, it has been classified as a Variant of Uncertain Significance.

NM_080424.4(SP110):c.1319G>A (p.Arg440Lys)

Gene: SP110 (SP110 nuclear body protein; minus strand). Cytogenetic location: 2q37.1.
Variant type: single nucleotide variant.
Coding change: c.1319G>A on transcript NM_080424.4 (MANE Select); coding-DNA position 1319, G replaced by A.
Protein change: p.Arg440Lys; replaces arginine 440 with lysine.
Molecular consequence: missense variant.
Genome position (GRCh38, 1-based): chr2:230,183,601, C>T on the plus strand (G>A on the coding strand, the complement: SP110 is on the minus strand). VCF-style: chr2-230183601-C-T. GRCh37 (hg19) VCF-style: chr2-231048317-C-T.
Other names: c.1319G>A (NM_004509.3); c.1337G>A, p.Arg446Lys (NM_001185015.2, NM_001378442.1, NM_001378444.1 and 2 more transcripts); c.1319G>A, p.Arg440Lys (NM_001378443.1, NM_004509.5, NM_004510.4); c.1169G>A, p.Arg390Lys (NM_001378447.1); short protein forms R390K, R440K, R446K.
Identifiers: ClinVar variation 1008445 (VCV001008445.7), dbSNP rs201014289, ClinGen allele CA66739791.
Genomic context (GRCh38, chr2:230,183,601, plus strand): 5'-AGTGGGGAGGCGCTGTGGCTTGCTTGCTTACCTCTTCGGTGAATATTTTTCTGAAATCTC[C>T]TTTTTGAGCTTGAACAGATATCTTTCTCCTTTTTCTTTTCTAAACACAGAATTAATAATC-3'
Protein context (NP_536349.3, residues 430-450): KEKDICSSSK[Arg440Lys]RFQKNIHRRG